The following is an entry in ClinVar:

NM_002890.3(RASA1):c.1018-3T>C

Genes: CCNH (cyclin H; minus strand), RASA1 (RAS p21 protein activator 1; plus strand). Cytogenetic location: 5q14.3.
Variant type: single nucleotide variant.
Coding change: c.1018-3T>C on transcript NM_002890.3 (MANE Select); 3 bases into the intron before coding-DNA position 1018, T replaced by C.
Molecular consequence: intron variant.
Genome position (GRCh38, 1-based): chr5:87,341,287, T>C. VCF-style: chr5-87341287-T-C. GRCh37 (hg19) VCF-style: chr5-86637104-T-C.
Other names: c.487-3T>C (NM_022650.3); c.934-28492A>G (NM_001364075.2).
Identifiers: ClinVar variation 2865591 (VCV002865591.3), dbSNP rs2531225732, ClinGen allele CA2674515408.

ClinVar aggregate classification (germline): Uncertain significance (1 of 4 stars; one submission).

Conditions:
Capillary malformation-arteriovenous malformation syndrome. Also called: Capillary malformation-arteriovenous malformation. Identifiers: Orphanet 137667, MedGen C1842180, MONDO:0012016.

Submission:

Labcorp Genetics (formerly Invitae), Labcorp
Classification: Uncertain significance for Capillary malformation-arteriovenous malformation syndrome. Last evaluated: 2023-10-12. Review status: criteria provided, single submitter. Criteria: Invitae Variant Classification Sherloc (09022015). Collection method: clinical testing. Allele origin: germline.
Comment: This sequence change falls in intron 5 of the RASA1 gene. It does not directly change the encoded amino acid sequence of the RASA1 protein. It affects a nucleotide within the consensus splice site. This variant is not present in population databases (gnomAD no frequency). This variant has not been reported in the literature in individuals affected with RASA1-related conditions. Variants that disrupt the consensus splice site are a relatively common cause of aberrant splicing (PMID: 17576681, 9536098). Algorithms developed to predict the effect of sequence changes on RNA splicing suggest that this variant is not likely to affect RNA splicing. In summary, the available evidence is currently insufficient to determine the role of this variant in disease. Therefore, it has been classified as a Variant of Uncertain Significance.

Literature cited by the submitters: PubMed 17576681; PubMed 9536098.